The following is an entry in ClinVar:

NM_201253.3(CRB1):c.3613G>A (p.Gly1205Arg)

Gene: CRB1 (crumbs cell polarity complex component 1; plus strand). Cytogenetic location: 1q31.3.
Variant type: single nucleotide variant.
Coding change: c.3613G>A on transcript NM_201253.3 (MANE Select); coding-DNA position 3613, G replaced by A.
Protein change: p.Gly1205Arg; replaces glycine 1205 with arginine.
Molecular consequence: missense variant. On other transcripts: non-coding transcript variant (2), intron variant (1).
Genome position (GRCh38, 1-based): chr1:197,435,476, G>A. VCF-style: chr1-197435476-G-A. GRCh37 (hg19) VCF-style: chr1-197404606-G-A.
Other names: c.3277G>A, p.Gly1093Arg (NM_001193640.2); c.3541G>A, p.Gly1181Arg (NM_001257965.2); c.2129-124G>A (NM_001257966.2); short protein forms G1205R, G1093R, G1181R.
Identifiers: ClinVar variation 426910 (VCV000426910.4), dbSNP rs574742644, ClinGen allele CA1312363.

ClinVar aggregate classification (germline): Uncertain significance. Review status: criteria provided, multiple submitters, no conflicts (2 of 4 stars). 3 submissions from 3 submitters: Uncertain significance (2). 1 of the submissions does not count toward it. Last evaluated 2022-06-15.

Conditions:
Leber congenital amaurosis (LCA). Also called: Leber's amaurosis. Identifiers: Orphanet 65, MedGen C0339527, MeSH D057130, MONDO:0018998.

Allele frequency attached by ClinVar (database versions not stated): gnomAD exomes below 0.00001; TOPMed below 0.00001; ExAC 0.00001; gnomAD 0.00001 and 0.00002; 1000 Genomes Project 30x 0.00016; 1000 Genomes Project 0.00020.
gnomAD v4.1: 4 of 1,602,226 alleles (0.00025%); highest among the groups gnomAD compares: East Asian, 0.0067%; no homozygotes.

Submissions (3):

Blueprint Genetics
Classification: Uncertain significance. Last evaluated: 2022-06-15. Review status: criteria provided, single submitter. Criteria: ACMG Guidelines, 2015. Collection method: clinical testing. Allele origin: germline.

GeneDx
Classification: Uncertain significance. Last evaluated: 2017-03-28. Review status: criteria provided, single submitter. Criteria: GeneDx Variant Classification (06012015). Collection method: clinical testing. Allele origin: germline. Affected: yes.
Comment: The G1205R variant in the CRB1 gene has been reported previously in an individual with Leber congenital amaurosis; it is unknown whether this individual was screened for variants in other genes associated with Leber congenital amaurosis (Lotery et al., 2001). The G1205R variant is not observed at a significant frequency in large population cohorts (Lek et al., 2016; 1000 Genomes Consortium et al., 2015; Exome Variant Server). The G1205R variant is a non-conservative amino acid substitution, which is likely to impact secondary protein structure as these residues differ in polarity, charge, size and/or other properties. This substitution occurs at a position that is conserved across species. In silico analysis predicts this variant is probably damaging to the protein structure/function. We interpret G1205R as a variant of uncertain significance.

Natera, Inc.
Classification: Uncertain significance for Leber congenital amaurosis. Last evaluated: 2021-08-24. Review status: no assertion criteria provided. Collection method: clinical testing. Allele origin: germline. Not counted in ClinVar's aggregate classification.